The following is an entry in ClinVar:

NM_032043.3(BRIP1):c.3003C>G (p.Ser1001Arg)

Gene: BRIP1 (BRCA1 interacting DNA helicase 1; minus strand). Cytogenetic location: 17q23.2.
Variant type: single nucleotide variant.
Coding change: c.3003C>G on transcript NM_032043.3 (MANE Select); coding-DNA position 3003, C replaced by G.
Protein change: p.Ser1001Arg; replaces serine 1001 with arginine.
Molecular consequence: missense variant.
Genome position (GRCh38, 1-based): chr17:61,684,043, G>C on the plus strand (C>G on the coding strand, the complement: BRIP1 is on the minus strand). VCF-style: chr17-61684043-G-C. GRCh37 (hg19) VCF-style: chr17-59761404-G-C.
Other names: short protein forms S1001R.
Identifiers: ClinVar variation 4826449 (VCV004826449.1).

ClinVar aggregate classification (germline): Uncertain significance (1 of 4 stars; one submission).

Conditions:
Hereditary cancer-predisposing syndrome. Also called: Neoplastic Syndromes, Hereditary; Tumor predisposition; Hereditary Cancer Syndrome; Hereditary neoplastic syndrome. Identifiers: Orphanet 140162, MedGen C0027672, MeSH D009386, MONDO:0015356.

Submission:

Ambry Genetics
Classification: Uncertain significance for Hereditary cancer-predisposing syndrome. Last evaluated: 2026-02-24. Review status: criteria provided, single submitter. Criteria: Ambry Variant Classification Scheme 2023. Collection method: clinical testing. Allele origin: germline.
Comment: The p.S1001R variant (also known as c.3003C>G), located in coding exon 19 of the BRIP1 gene, results from a C to G substitution at nucleotide position 3003. The serine at codon 1001 is replaced by arginine, an amino acid with dissimilar properties. This amino acid position is conserved. In addition, this alteration is predicted to be tolerated by in silico analysis. Based on the available evidence, the clinical significance of this variant remains unclear.